The following is an entry in ClinVar:

NM_000719.7(CACNA1C):c.3107C>G (p.Thr1036Ser)

Gene: CACNA1C (calcium voltage-gated channel subunit alpha1 C; plus strand). Cytogenetic location: 12p13.33.
Variant type: single nucleotide variant.
Coding change: c.3107C>G on transcript NM_000719.7 (MANE Select); coding-DNA position 3107, C replaced by G.
Protein change: p.Thr1036Ser; replaces threonine 1036 with serine.
Molecular consequence: missense variant.
Genome position (GRCh38, 1-based): chr12:2,605,737, C>G. VCF-style: chr12-2605737-C-G. GRCh37 (hg19) VCF-style: chr12-2714903-C-G.
Other names: c.3167C>G, p.Thr1056Ser (NM_001129827.2, NM_001129832.2, NM_199460.4); c.3107C>G, p.Thr1036Ser (NM_001129829.2, NM_001129830.3, NM_001129831.2 and 15 more transcripts); c.3098C>G, p.Thr1033Ser (NM_001129844.2); short protein forms T1036S, T1056S, T1033S.
Identifiers: ClinVar variation 856963 (VCV000856963.10), dbSNP rs2075019291, ClinGen allele CA383374203.

ClinVar aggregate classification (germline): Uncertain significance (1 of 4 stars; one submission).

Conditions:
Long QT syndrome (LQTS). Identifiers: MedGen C0023976, MeSH D008133, MONDO:0002442. Disease mechanism: loss of function. Inheritance: Various modes of inheritance.

Submission:

Labcorp Genetics (formerly Invitae), Labcorp
Classification: Uncertain significance for Long QT syndrome. Last evaluated: 2019-11-26. Review status: criteria provided, single submitter. Criteria: Invitae Variant Classification Sherloc (09022015). Collection method: clinical testing. Allele origin: germline.
Comment: This variant is not present in population databases (ExAC no frequency). This sequence change replaces threonine with serine at codon 1036 of the CACNA1C protein (p.Thr1036Ser). The threonine residue is highly conserved and there is a small physicochemical difference between threonine and serine. This variant has not been reported in the literature in individuals with CACNA1C-related conditions. In summary, the available evidence is currently insufficient to determine the role of this variant in disease. Therefore, it has been classified as a Variant of Uncertain Significance. Algorithms developed to predict the effect of missense changes on protein structure and function are either unavailable or do not agree on the potential impact of this missense change (SIFT: "Deleterious"; PolyPhen-2: "Probably Damaging"; Align-GVGD: "Class C0").